The following is an entry in ClinVar:

ClinVar aggregate classification (germline): Uncertain significance (1 of 4 stars; one submission).

Submission:

GeneDx
Classification: Uncertain significance. Last evaluated: 2024-07-23. Review status: criteria provided, single submitter. Criteria: GeneDx Variant Classification Process June 2021. Collection method: clinical testing. Allele origin: germline. Affected: yes.
Comment: Not observed at significant frequency in large population cohorts (gnomAD); In silico analysis indicates that this missense variant does not alter protein structure/function; Has not been previously published as pathogenic or benign to our knowledge; This variant is associated with the following publications: (PMID: 25641508)

NM_001278116.2(L1CAM):c.2647A>C (p.Ser883Arg)

Gene: L1CAM (L1 cell adhesion molecule; minus strand). Cytogenetic location: Xq28.
Variant type: single nucleotide variant.
Coding change: c.2647A>C on transcript NM_001278116.2 (MANE Select); coding-DNA position 2647, A replaced by C.
Protein change: p.Ser883Arg; replaces serine 883 with arginine.
Molecular consequence: missense variant.
Genome position (GRCh38, 1-based): chrX:153,865,401, T>G on the plus strand (A>C on the coding strand, the complement: L1CAM is on the minus strand). VCF-style: chrX-153865401-T-G. GRCh37 (hg19) VCF-style: chrX-153130856-T-G.
Other names: c.2647A>C, p.Ser883Arg (NM_000425.5, NM_024003.3); c.2632A>C, p.Ser878Arg (NM_001143963.2); short protein forms S878R, S883R.
Identifiers: ClinVar variation 3600894 (VCV003600894.1).
Genomic context (GRCh38, chrX:153,865,401, plus strand): 5'-ATCCTCGCCCGTTAAAGGCCTGCACCTCCAGGTGGTAGGAGCTATAGGGCCGCAAGCCAC[T>G]GAGGATGACACTGGTGGTGTTGGCGGGCACCACCACATGGTCTTTGTGGATATGTCTCTT-3'
Protein context (NP_001265045.1, residues 873-893): VPANTTSVIL[Ser883Arg]GLRPYSSYHL